The following is an entry in ClinVar:

ClinVar aggregate classification (germline): Pathogenic/Likely pathogenic. Review status: criteria provided, multiple submitters, no conflicts (2 of 4 stars). 3 submissions from 3 submitters: Pathogenic (2); Likely pathogenic (1). Last evaluated 2024-06-22.

Conditions:
Type 2 diabetes mellitus. Also called: Type II diabetes mellitus. Identifiers: MedGen C0011860, MeSH D003924, MONDO:0005148, OMIM 125853, HP:0005978.
Leucine-induced hypoglycemia (LIH). Also called: LEUCINE-SENSITIVE HYPOGLYCEMIA OF INFANCY. Identifiers: MedGen C0271714, MONDO:0009415, OMIM 240800.
Diabetes mellitus, permanent neonatal 3. Also called: ABCC8-Related Permanent Neonatal Diabetes Mellitus. Identifiers: MedGen C5394303, MONDO:0030088, OMIM 618857.
Diabetes mellitus, transient neonatal, 2 (TNDM2). Identifiers: Orphanet 99886, MedGen C1835887, MONDO:0012480, OMIM 610374. Disease mechanism: loss of function.
Hyperinsulinemic hypoglycemia, familial, 1 (HHF1). Also called: Persistent hyperinsulinemic hypoglycemia of infancy; HYPERINSULINISM, FAMILIAL, WITH PANCREATIC NESIDIOBLASTOSIS; HYPOGLYCEMIA, HYPERINSULINEMIC, OF INFANCY; NESIDIOBLASTOSIS OF PANCREAS; Persistent Hyperinsulinemia Hypoglycemia of Infancy. Identifiers: Orphanet 276575, Orphanet 276598, MedGen C2931832, MONDO:0009734, OMIM 256450.

Allele frequency attached by ClinVar (database versions not stated): gnomAD exomes below 0.00001; ExAC 0.00001; gnomAD 0.00001; TOPMed 0.00001.
gnomAD v4.1: 2 of 1,614,078 alleles (0.00012%); highest among the groups gnomAD compares: African/African-American, 0.0013%; no homozygotes.

Submissions (3):

Fulgent Genetics
Classification: Pathogenic for Type 2 diabetes mellitus; Leucine-induced hypoglycemia; Hyperinsulinemic hypoglycemia, familial, 1; Diabetes mellitus, transient neonatal, 2; Diabetes mellitus, permanent neonatal 3. Last evaluated: 2024-06-22. Review status: criteria provided, single submitter. Criteria: ACMG Guidelines, 2015. Collection method: clinical testing. Allele origin: germline.

Baylor Genetics
Classification: Pathogenic for Type 2 diabetes mellitus. Last evaluated: 2023-10-11. Review status: criteria provided, single submitter. Criteria: ACMG Guidelines, 2015. Collection method: clinical testing. Allele origin: unknown.

Labcorp Genetics (formerly Invitae), Labcorp
Classification: Likely pathogenic. Last evaluated: 2022-01-31. Review status: criteria provided, single submitter. Criteria: Invitae Variant Classification Sherloc (09022015). Collection method: clinical testing. Allele origin: germline.
Comment: This sequence change affects a donor splice site in intron 22 of the ABCC8 gene. It is expected to disrupt RNA splicing. Variants that disrupt the donor or acceptor splice site typically lead to a loss of protein function (PMID: 16199547), and loss-of-function variants in ABCC8 are known to be pathogenic (PMID: 20685672, 23345197). In summary, the currently available evidence indicates that the variant is pathogenic, but additional data are needed to prove that conclusively. Therefore, this variant has been classified as Likely Pathogenic. Algorithms developed to predict the effect of sequence changes on RNA splicing suggest that this variant may disrupt the consensus splice site. This variant is also known as c.2697+1G>A. Disruption of this splice site has been observed in individual(s) with ABCC8-related conditions (PMID: 23275527). This variant is not present in population databases (gnomAD no frequency).

Literature cited by the submitters: PubMed 16199547 (cited by Labcorp Genetics (formerly Invitae), Labcorp); PubMed 20685672 (cited by Labcorp Genetics (formerly Invitae), Labcorp); PubMed 23345197 (cited by Labcorp Genetics (formerly Invitae), Labcorp); PubMed 23275527 (cited by Labcorp Genetics (formerly Invitae), Labcorp).

NM_000352.6(ABCC8):c.2694+1G>A

Gene: ABCC8 (ATP binding cassette subfamily C member 8; minus strand). Cytogenetic location: 11p15.1.
Variant type: single nucleotide variant.
Coding change: c.2694+1G>A on transcript NM_000352.6 (MANE Select); the canonical splice donor site of the intron after coding-DNA position 2694, G replaced by A.
Molecular consequence: splice donor variant.
Genome position (GRCh38, 1-based): chr11:17,410,515, C>T on the plus strand (G>A on the coding strand, the complement: ABCC8 is on the minus strand). VCF-style: chr11-17410515-C-T. GRCh37 (hg19) VCF-style: chr11-17432062-C-T.
Other names: c.2691+1G>A (NM_001351297.2); c.2694+1G>A (NM_001351296.2); c.2760+1G>A (NM_001351295.2); c.2697+1G>A (NM_001287174.3).
Identifiers: ClinVar variation 2137013 (VCV002137013.6), dbSNP rs774574576, ClinGen allele CA5903056.
Genomic context (GRCh38, chr11:17,410,515, plus strand): 5'-AGATGCCTGACAGCCTCCCCAGCCCTGCCCCCTATAGCCTGACCCCCTTGTTCCCCCTCA[C>T]CCAGTCTGCATGGGGCAGGTACTGTAGCTTGTGGGTCACTAAGACCACTGTCCTCTTGTC-3'